The following is an entry in ClinVar:

ClinVar aggregate classification (germline): Benign/Likely benign. Review status: criteria provided, multiple submitters, no conflicts (2 of 4 stars). 8 submissions from 8 submitters: Benign (1); Likely benign (6). 1 of the submissions does not count toward it. Last evaluated 2026-01-27.

Conditions:
Familial cancer of breast. Also called: hereditary breast carcinoma; Hereditary breast cancer; BREAST CANCER, FAMILIAL. Identifiers: Orphanet 227535, MedGen C0346153, MONDO:0016419, OMIM 114480. Disease mechanism: loss of function.
Ataxia-telangiectasia syndrome (AT). Also called: Ataxia telangiectasia (A-T); Cerebello-oculocutaneous telangiectasia; Immunodeficiency with ataxia telangiectasia; LOUIS-BAR SYNDROME; AT, COMPLEMENTATION GROUP C; ATAXIA-TELANGIECTASIA, FRESNO VARIANT. Identifiers: Orphanet 100, MedGen C0004135, MONDO:0008840, OMIM 208900.
Hereditary cancer-predisposing syndrome. Also called: Neoplastic Syndromes, Hereditary; Hereditary neoplastic syndrome; Tumor predisposition; Hereditary Cancer Syndrome. Identifiers: Orphanet 140162, MedGen C0027672, MeSH D009386, MONDO:0015356.
Malignant tumor of breast. Also called: Malignant breast neoplasm; Cancer breast. Identifiers: MedGen C0006142, MONDO:0007254. Disease mechanism: loss of function.

Submissions (8):

Labcorp Genetics (formerly Invitae), Labcorp
Classification: Benign for Ataxia-telangiectasia syndrome. Last evaluated: 2026-01-27. Review status: criteria provided, single submitter. Criteria: Invitae Variant Classification Sherloc (09022015). Collection method: clinical testing. Allele origin: germline.

Blueprint Genetics
Classification: Likely benign. Last evaluated: 2024-10-04. Review status: criteria provided, single submitter. Criteria: ACMG Guidelines, 2015. Collection method: clinical testing. Allele origin: germline.

Fulgent Genetics
Classification: Likely benign for Familial cancer of breast; Ataxia-telangiectasia syndrome. Last evaluated: 2022-04-09. Review status: criteria provided, single submitter. Criteria: ACMG Guidelines, 2015. Collection method: clinical testing. Allele origin: unknown.

Sema4
Classification: Likely benign for Hereditary cancer-predisposing syndrome. Last evaluated: 2021-05-05. Review status: criteria provided, single submitter. Criteria: Sema4 Curation Guidelines. Collection method: curation. Allele origin: germline.

GeneDx
Classification: Likely benign. Last evaluated: 2017-11-15. Review status: criteria provided, single submitter. Criteria: GeneDx Variant Classification (06012015). Collection method: clinical testing. Allele origin: germline. Affected: yes.
Comment: This variant is considered likely benign or benign based on one or more of the following criteria: it is a conservative change, it occurs at a poorly conserved position in the protein, it is predicted to be benign by multiple in silico algorithms, and/or has population frequency not consistent with disease.

Color Diagnostics, LLC DBA Color Health
Classification: Likely benign for Hereditary cancer-predisposing syndrome. Last evaluated: 2016-03-05. Review status: criteria provided, single submitter. Criteria: ACMG Guidelines, 2015. Collection method: clinical testing. Allele origin: germline.

Ambry Genetics
Classification: Likely benign for Hereditary cancer-predisposing syndrome. Last evaluated: 2015-05-11. Review status: criteria provided, single submitter. Criteria: Ambry Variant Classification Scheme 2023. Collection method: clinical testing. Allele origin: germline.

Department of Pathology and Laboratory Medicine, Sinai Health System
Classification: Likely benign for Malignant tumor of breast. Review status: no assertion criteria provided. Collection method: clinical testing. Allele origin: unknown. Affected: yes. Study: The Canadian Open Genetics Repository (COGR). Not counted in ClinVar's aggregate classification.
Comment: The ATM c.6975+13dup variant was not identified in the literature nor was it identified in the COGR, or LOVD 3.0 databases. The variant was identified in dbSNP (ID: rs763287238) as "With Likely benign allele", and in ClinVar (classified as benign by Invitae; as likely benign by GeneDx, Color Genomics). The variant was not identified in the following control databases: the Exome Aggregation Consortium (August 8th 2016), or the Genome Aggregation Database (Feb 27, 2017). The variant occurs outside of the splicing consensus sequence and in silico or computational prediction software programs (SpliceSiteFinder, MaxEntScan, NNSPLICE, GeneSplicer) do not predict a difference in splicing. In summary, based on the above information the clinical significance of this variant cannot be determined with certainty at this time although we would lean towards a more benign role for this variant. This variant is classified as likely benign.

NM_000051.4(ATM):c.6975+13dup

Genes: ATM (ATM serine/threonine kinase; plus strand), C11orf65 (chromosome 11 open reading frame 65; minus strand). Cytogenetic location: 11q22.3.
Variant type: Duplication.
Coding change: c.6975+13dup on transcript NM_000051.4 (MANE Select); 13 bases into the intron after coding-DNA position 6975, one base duplicated (T; older notation c.6975+13dupT).
Molecular consequence: intron variant.
Genome position (GRCh38, 1-based): chr11:108,326,238, T duplicated; the last of 8 consecutive T bases (chr11:108,326,231-108,326,238); duplicating any one gives the same sequence. VCF-style (leftmost placement, unchanged base first): chr11-108326230-G-GT. GRCh37 (hg19) VCF-style: chr11-108196957-G-GT.
Other names: c.6975+13dup (NM_001351834.2); c.641-17160dup (NM_001330368.2); c.*38+8989dup (NM_001351110.2); c.6975+13dupT (NM_000051.3).
Identifiers: ClinVar variation 220607 (VCV000220607.16), dbSNP rs763287238, ClinGen allele CA339329.
Genomic context (GRCh38, chr11:108,326,230, plus strand): 5'-TTGCCCTGAGTATTCTCAAGCAAATGATCAAGAAGTTGGATGCCAGCTGTGCAGCGGTTT[G>GT]TTTTTTTTATTGGCTGGATTAGTGTTTTACTGTTATTTAAAAAAACACAAATGTACTTTA-3'